The following is an entry in ClinVar:

ClinVar aggregate classification (germline): Conflicting classifications of pathogenicity. Review status: criteria provided, conflicting classifications (1 of 4 stars). 2 submissions from 2 submitters: Pathogenic (1); Uncertain significance (1). Last evaluated 2026-01-12.

Submissions (2):

Labcorp Genetics (formerly Invitae), Labcorp
Classification: Pathogenic. Last evaluated: 2026-01-12. Review status: criteria provided, single submitter. Criteria: Invitae Variant Classification Sherloc (09022015). Collection method: clinical testing. Allele origin: germline.
Comment: This sequence change replaces methionine, which is neutral and non-polar, with arginine, which is basic and polar, at codon 370 of the PHEX protein (p.Met370Arg). This variant is not present in population databases (gnomAD no frequency). This missense change has been observed in individual(s) with X-linked hypophosphatemia (PMID: 18625346; internal data). ClinVar contains an entry for this variant (Variation ID: 864294). Invitae Evidence Modeling of protein sequence and biophysical properties (such as structural, functional, and spatial information, amino acid conservation, physicochemical variation, residue mobility, and thermodynamic stability) indicates that this missense variant is expected to disrupt PHEX protein function with a positive predictive value of 80%. For these reasons, this variant has been classified as Pathogenic.

GeneDx
Classification: Uncertain significance. Last evaluated: 2023-04-07. Review status: criteria provided, single submitter. Criteria: GeneDx Variant Classification Process June 2021. Collection method: clinical testing. Allele origin: germline. Affected: yes.
Comment: Not observed at significant frequency in large population cohorts (gnomAD); In silico analysis supports that this missense variant has a deleterious effect on protein structure/function; This variant is associated with the following publications: (PMID: 18625346, 34633109)

Literature cited by the submitters: PubMed 18625346 (cited by Labcorp Genetics (formerly Invitae), Labcorp).

NM_000444.6(PHEX):c.1109T>G (p.Met370Arg)

Gene: PHEX (phosphate regulating endopeptidase X-linked; plus strand). Cytogenetic location: Xp22.11.
Variant type: single nucleotide variant.
Coding change: c.1109T>G on transcript NM_000444.6 (MANE Select); coding-DNA position 1109, T replaced by G.
Protein change: p.Met370Arg; replaces methionine 370 with arginine.
Molecular consequence: missense variant.
Genome position (GRCh38, 1-based): chrX:22,111,496, T>G. VCF-style: chrX-22111496-T-G. GRCh37 (hg19) VCF-style: chrX-22129614-T-G.
Other names: c.1109T>G, p.Met370Arg (NM_001282754.2); c.1109T>G (NM_000444.4); short protein forms M370R.
Identifiers: ClinVar variation 864294 (VCV000864294.10), dbSNP rs1930964041, ClinGen allele CA412573140.